The following is an entry in ClinVar:

NM_006031.6(PCNT):c.5903C>G (p.Pro1968Arg)

Gene: PCNT (pericentrin; plus strand). Cytogenetic location: 21q22.3.
Variant type: single nucleotide variant.
Coding change: c.5903C>G on transcript NM_006031.6 (MANE Select); coding-DNA position 5903, C replaced by G.
Protein change: p.Pro1968Arg; replaces proline 1968 with arginine.
Molecular consequence: missense variant.
Genome position (GRCh38, 1-based): chr21:46,411,976, C>G. VCF-style: chr21-46411976-C-G. GRCh37 (hg19) VCF-style: chr21-47831890-C-G.
Other names: c.5549C>G, p.Pro1850Arg (NM_001315529.2); short protein forms P1850R, P1968R.
Identifiers: ClinVar variation 3348280 (VCV003348280.1).

ClinVar aggregate classification (germline): Uncertain significance (0 of 4 stars; one submission).

Conditions:
PCNT-related disorder. Also called: PCNT-related condition.

Submission:

PreventionGenetics, part of Exact Sciences
Classification: Uncertain significance for PCNT-related condition. Last evaluated: 2024-01-30. Review status: no assertion criteria provided. Collection method: clinical testing. Allele origin: germline.
Comment: The PCNT c.5903C>G variant is predicted to result in the amino acid substitution p.Pro1968Arg. To our knowledge, this variant has not been reported in the literature or in a large population database, indicating this variant is rare. At this time, the clinical significance of this variant is uncertain due to the absence of conclusive functional and genetic evidence.